The following is an entry in ClinVar:

ClinVar aggregate classification (germline): Uncertain significance (1 of 4 stars; one submission).

Conditions:
Leukocyte adhesion deficiency 1 (LAD1). Also called: LEUKOCYTE ADHESION DEFICIENCY, TYPE I; LAD 1; Lymphocyte function-associated antigen 1 immunodeficiency; LFA 1 immunodeficiency. Identifiers: Orphanet 2968, Orphanet 99842, MedGen C0398738, MONDO:0007293, OMIM 116920.

Allele frequency attached by ClinVar (database versions not stated): gnomAD exomes below 0.00001.

Submission:

Labcorp Genetics (formerly Invitae), Labcorp
Classification: Uncertain significance for Leukocyte adhesion deficiency 1. Last evaluated: 2024-02-23. Review status: criteria provided, single submitter. Criteria: Invitae Variant Classification Sherloc (09022015). Collection method: clinical testing. Allele origin: germline.
Comment: This sequence change replaces phenylalanine, which is neutral and non-polar, with valine, which is neutral and non-polar, at codon 464 of the ITGB2 protein (p.Phe464Val). This variant is not present in population databases (gnomAD no frequency). This variant has not been reported in the literature in individuals affected with ITGB2-related conditions. ClinVar contains an entry for this variant (Variation ID: 646024). Algorithms developed to predict the effect of missense changes on protein structure and function output the following: SIFT: "Not Available"; PolyPhen-2: "Benign"; Align-GVGD: "Not Available". The valine amino acid residue is found in multiple mammalian species, which suggests that this missense change does not adversely affect protein function. In summary, the available evidence is currently insufficient to determine the role of this variant in disease. Therefore, it has been classified as a Variant of Uncertain Significance.

NM_000211.5(ITGB2):c.1390T>G (p.Phe464Val)

Gene: ITGB2 (integrin subunit beta 2; minus strand). Cytogenetic location: 21q22.3.
Variant type: single nucleotide variant.
Coding change: c.1390T>G on transcript NM_000211.5 (MANE Select); coding-DNA position 1390, T replaced by G.
Protein change: p.Phe464Val; replaces phenylalanine 464 with valine.
Molecular consequence: missense variant.
Genome position (GRCh38, 1-based): chr21:44,891,831, A>C on the plus strand (T>G on the coding strand, the complement: ITGB2 is on the minus strand). VCF-style: chr21-44891831-A-C. GRCh37 (hg19) VCF-style: chr21-46311746-A-C.
Other names: c.1390T>G, p.Phe464Val (NM_001127491.3); c.1183T>G, p.Phe395Val (NM_001303238.2); short protein forms F464V, F395V.
Identifiers: ClinVar variation 646024 (VCV000646024.11), dbSNP rs1601287199, ClinGen allele CA410485137.
Genomic context (GRCh38, chr21:44,891,831, plus strand): 5'-CTCGGGGATGGTTCAACAGGGACCTGCGCCCGCCTCACCTGCAGATGCCGCACTCCAAGA[A>C]GCCCTTGCCATGGCAGAGGCTGCGGTCTCTGCTCTGGTCCCGGCACCGGCACTCACACTG-3'
Protein context (NP_000202.3, residues 454-474): RDRSLCHGKG[Phe464Val]LECGICRCDT